The following is an entry in ClinVar:

ClinVar aggregate classification (germline): Uncertain significance (1 of 4 stars; one submission).

Submission:

Labcorp Genetics (formerly Invitae), Labcorp
Classification: Uncertain significance. Last evaluated: 2022-06-18. Review status: criteria provided, single submitter. Criteria: Invitae Variant Classification Sherloc (09022015). Collection method: clinical testing. Allele origin: germline.
Comment: In summary, the available evidence is currently insufficient to determine the role of this variant in disease. Therefore, it has been classified as a Variant of Uncertain Significance. This sequence change replaces alanine, which is neutral and non-polar, with proline, which is neutral and non-polar, at codon 2000 of the RTTN protein (p.Ala2000Pro). This variant is not present in population databases (gnomAD no frequency). This variant has not been reported in the literature in individuals affected with RTTN-related conditions. Algorithms developed to predict the effect of missense changes on protein structure and function output the following: SIFT: "Tolerated"; PolyPhen-2: "Benign"; Align-GVGD: "Class C0". The proline amino acid residue is found in multiple mammalian species, which suggests that this missense change does not adversely affect protein function.

NM_173630.4(RTTN):c.5998G>C (p.Ala2000Pro)

Gene: RTTN (rotatin; minus strand). Cytogenetic location: 18q22.2.
Variant type: single nucleotide variant.
Coding change: c.5998G>C on transcript NM_173630.4 (MANE Select); coding-DNA position 5998, G replaced by C.
Protein change: p.Ala2000Pro; replaces alanine 2000 with proline.
Molecular consequence: missense variant.
Genome position (GRCh38, 1-based): chr18:70,020,770, C>G on the plus strand (G>C on the coding strand, the complement: RTTN is on the minus strand). VCF-style: chr18-70020770-C-G. GRCh37 (hg19) VCF-style: chr18-67688006-C-G.
Other names: c.3262G>C, p.Ala1088Pro (NM_001318520.2); short protein forms A2000P, A1088P.
Identifiers: ClinVar variation 1997753 (VCV001997753.4), dbSNP rs372241057, ClinGen allele CA402684676.
Genomic context (GRCh38, chr18:70,020,770, plus strand): 5'-GGGAAGCCAACTTTAGGATACACAGCATCAGAGAGTTGCTCACGGCTCCTCTATGTGTAG[C>G]TTGAACAGGGTGTTGTCCACAACTTGACCAACAAAGAGAACTGCAACCTTCAAAAATAAC-3'
Protein context (NP_775901.3, residues 1990-2010): WSSCGQHPVQ[Ala2000Pro]THRGAVSNSL